The following is an entry in ClinVar:

ClinVar aggregate classification (germline): Uncertain significance (1 of 4 stars; one submission).

Submission:

GeneDx
Classification: Uncertain significance. Last evaluated: 2026-08-14. Review status: criteria provided, single submitter. Criteria: GeneDx Variant Classification Process June 2021. Collection method: clinical testing. Allele origin: germline.
Comment: Not observed at significant frequency in large population cohorts (gnomAD); In silico analysis supports that this missense variant has a deleterious effect on protein structure/function; Has not been previously published as pathogenic or benign to our knowledge

NM_001127222.2(CACNA1A):c.3101G>T (p.Gly1034Val)

Gene: CACNA1A (calcium voltage-gated channel subunit alpha1 A; minus strand). Cytogenetic location: 19p13.13.
Variant type: single nucleotide variant.
Coding change: c.3101G>T on transcript NM_001127222.2 (MANE Select); coding-DNA position 3101, G replaced by T.
Protein change: p.Gly1034Val; replaces glycine 1034 with valine.
Molecular consequence: missense variant.
Genome position (GRCh38, 1-based): chr19:13,286,955, C>A on the plus strand (G>T on the coding strand, the complement: CACNA1A is on the minus strand). VCF-style: chr19-13286955-C-A. GRCh37 (hg19) VCF-style: chr19-13397769-C-A.
Other names: c.3113G>T, p.Gly1038Val (NM_000068.4, NM_023035.3); c.3104G>T, p.Gly1035Val (NM_001127221.2, NM_001174080.2); short protein forms G1034V, G1035V, G1038V.
Identifiers: ClinVar variation 4528319 (VCV004528319.2).